The following is an entry in ClinVar:

NM_001253697.2(ERBIN):c.2881C>A (p.Pro961Thr)

Gene: ERBIN (erbb2 interacting protein; plus strand). Cytogenetic location: 5q12.3.
Variant type: single nucleotide variant.
Coding change: c.2881C>A on transcript NM_001253697.2 (MANE Select); coding-DNA position 2881, C replaced by A.
Protein change: p.Pro961Thr; replaces proline 961 with threonine.
Molecular consequence: missense variant.
Genome position (GRCh38, 1-based): chr5:66,054,199, C>A. VCF-style: chr5-66054199-C-A. GRCh37 (hg19) VCF-style: chr5-65350027-C-A.
Other names: c.2881C>A, p.Pro961Thr (NM_001006600.3, NM_001253698.2, NM_001253699.2 and 1 more transcripts); c.2869C>A, p.Pro957Thr (NM_001253701.2); short protein forms P957T, P961T.
Identifiers: ClinVar variation 2636173 (VCV002636173.1), dbSNP rs2546813604, ClinGen allele CA359868141.
Genomic context (GRCh38, chr5:66,054,199, plus strand): 5'-AAGGCAATTTTCAAGTTTGATTCAAATCATAATCCCGAAGAGCCAAATATAATAAGAGGC[C>A]CCACAAGTGGCCCACAATCTGCACCTCAAATATATGGTCCTCCACAGTATAATATCCAAT-3'
Protein context (NP_001240626.1, residues 951-971): NPEEPNIIRG[Pro961Thr]TSGPQSAPQI

ClinVar aggregate classification (germline): Uncertain significance (1 of 4 stars; one submission).

Conditions:
ERBIN-related disorder. Also called: ERBIN-related condition.

Submission:

PreventionGenetics, part of Exact Sciences
Classification: Uncertain significance for ERBIN-related condition. Last evaluated: 2022-09-20. Review status: criteria provided, single submitter. Criteria: ACMG Guidelines, 2015. Collection method: clinical testing. Allele origin: germline.
Comment: The ERBIN c.2881C>A variant is predicted to result in the amino acid substitution p.Pro961Thr. To our knowledge, this variant has not been reported in the literature or in a large population database, indicating this variant is rare. At this time, the clinical significance of this variant is uncertain due to the absence of conclusive functional and genetic evidence.